The following is an entry in ClinVar:

ClinVar aggregate classification (germline): Uncertain significance (1 of 4 stars; one submission).

Conditions:
Mendelian susceptibility to mycobacterial diseases due to complete IL12RB1 deficiency. Also called: Immunodeficiency 30; IL12RB1 DEFICIENCY. Identifiers: Orphanet 319552, MedGen C4013949, MONDO:0013955, OMIM 614891.

Allele frequency attached by ClinVar (database versions not stated): gnomAD exomes below 0.00001.
gnomAD v4.1: 2 of 1,613,622 alleles (0.00012%); highest among the groups gnomAD compares: East Asian, 0.0022%; no homozygotes.

Submission:

Labcorp Genetics (formerly Invitae), Labcorp
Classification: Uncertain significance for Mendelian susceptibility to mycobacterial diseases due to complete IL12RB1 deficiency. Last evaluated: 2023-08-04. Review status: criteria provided, single submitter. Criteria: Invitae Variant Classification Sherloc (09022015). Collection method: clinical testing. Allele origin: germline.
Comment: In summary, the available evidence is currently insufficient to determine the role of this variant in disease. Therefore, it has been classified as a Variant of Uncertain Significance. Advanced modeling of protein sequence and biophysical properties (such as structural, functional, and spatial information, amino acid conservation, physicochemical variation, residue mobility, and thermodynamic stability) performed at Invitae indicates that this missense variant is expected to disrupt IL12RB1 protein function. This sequence change replaces glycine, which is neutral and non-polar, with aspartic acid, which is acidic and polar, at codon 476 of the IL12RB1 protein (p.Gly476Asp). This variant is present in population databases (no rsID available, gnomAD 0.006%). This variant has not been reported in the literature in individuals affected with IL12RB1-related conditions. ClinVar contains an entry for this variant (Variation ID: 1447924).

NM_005535.3(IL12RB1):c.1427G>A (p.Gly476Asp)

Gene: IL12RB1 (interleukin 12 receptor subunit beta 1; minus strand). Cytogenetic location: 19p13.11.
Variant type: single nucleotide variant.
Coding change: c.1427G>A on transcript NM_005535.3 (MANE Select); coding-DNA position 1427, G replaced by A.
Protein change: p.Gly476Asp; replaces glycine 476 with aspartic acid.
Molecular consequence: missense variant.
Genome position (GRCh38, 1-based): chr19:18,066,598, C>T on the plus strand (G>A on the coding strand, the complement: IL12RB1 is on the minus strand). VCF-style: chr19-18066598-C-T. GRCh37 (hg19) VCF-style: chr19-18177408-C-T.
Other names: c.1427G>A, p.Gly476Asp (NM_001290023.2); c.1547G>A, p.Gly516Asp (NM_001290024.2); short protein forms G516D, G476D.
Identifiers: ClinVar variation 1447924 (VCV001447924.6), dbSNP rs1270850388, ClinGen allele CA404776640.